The following is an entry in ClinVar:

NM_001369369.1(FOXN1):c.1364_1367del (p.Tyr455fs)

Gene: FOXN1 (forkhead box N1; plus strand). Cytogenetic location: 17q11.2.
Variant type: Deletion.
Coding change: c.1364_1367del on transcript NM_001369369.1 (MANE Select); coding-DNA positions 1364 to 1367, 4 bases deleted (ACTT; older notation c.1364_1367delACTT).
Protein change: p.Tyr455fs; shifts the reading frame from tyrosine 455.
Molecular consequence: frameshift variant.
Genome position (GRCh38, 1-based): chr17:28,534,935-28,534,938, ACTT deleted; deleting any 4 consecutive bases within chr17:28,534,934-28,534,938 gives the same sequence; the c. name uses the placement nearest the transcript's 3' end. VCF-style (leftmost placement, unchanged base first): chr17-28534933-ATACT-A. GRCh37 (hg19) VCF-style: chr17-26861951-ATACT-A.
Other names: NM_001369369.1(FOXN1):c.1364_1367del; p.Tyr455fs; c.1364_1367delACTT (NM_003593.2); c.1364_1367del, p.Tyr455fs (NM_003593.3); short protein forms Y455fs.
Identifiers: ClinVar variation 1199408 (VCV001199408.13), dbSNP rs2151499024, ClinGen allele CA2499223952.

ClinVar aggregate classification (germline): Likely pathogenic. Review status: reviewed by expert panel (3 of 4 stars). 4 submissions from 4 submitters: Likely pathogenic (1). 3 of the submissions do not count toward it. Last evaluated 2024-07-29.

Conditions:
T-cell lymphopenia, infantile, with or without nail dystrophy, autosomal dominant. Identifiers: Orphanet 676039, MedGen C5394133, MONDO:0032928, OMIM 618806.
T-cell immunodeficiency, congenital alopecia, and nail dystrophy. Also called: Congenital alopecia and nail dystrophy associated with severe functional T-cell immunodeficiency; Pignata Guarino syndrome. Identifiers: Orphanet 169095, MedGen C1866426, MONDO:0011132, OMIM 601705.

Submissions (4):

ClinGen Severe Combined Immunodeficiency Variant Curation Expert Panel, ClinGen
Classification: Likely pathogenic for T-cell immunodeficiency, congenital alopecia, and nail dystrophy. Last evaluated: 2024-07-29. Review status: reviewed by expert panel. Criteria: ClinGen SCID ACMG Specifications FOXN1 V1.0.0. Collection method: curation. Allele origin: germline. Inheritance: Autosomal recessive inheritance.
Comment: NM_001369369.1(FOXN1):c.1364_1367del (p.Tyr455CysfsTer?) is a frameshift variant in exon 8 which results in a premature stop codon in the final exon (exon 9) at codon 548. It is not predicted to cause NMD but would truncate 16% of the protein, including most of the transactivation domain which is critical to protein function (PVS1_Strong). This variant is absent from gnomADv2.1.1 (PM2_supporting). It has been reported in one patient and functional analysis was performed in a luciferase reporter construct, which was cotransfected into heterologous cells with an expression vector containing mutant or wild-type FOXN1. This variant had 1.6% luciferase activity compared to wild-type (PMID: 37419334; PS3_Moderate). In summary this variant meets criteria to be classified as likely pathogenic for semidominant T-cell immunodeficiency, congenital alopecia, and nail dystrophy due to FOXN1 deficiency based on the ACMG/AMP criteria applied: PVS1_Strong, PS3_Moderate and PM2_Supporting as specified by the ClinGen SCID VCEP FOXN1 subgroup.

Labcorp Genetics (formerly Invitae), Labcorp
Classification: Pathogenic for T-cell immunodeficiency, congenital alopecia, and nail dystrophy. Last evaluated: 2024-06-11. Review status: criteria provided, single submitter. Criteria: Invitae Variant Classification Sherloc (09022015). Collection method: clinical testing. Allele origin: germline. Not counted in ClinVar's aggregate classification.
Comment: This sequence change creates a premature translational stop signal (p.Tyr455Cysfs*94) in the FOXN1 gene. While this is not anticipated to result in nonsense mediated decay, it is expected to disrupt the last 194 amino acid(s) of the FOXN1 protein. This variant is not present in population databases (gnomAD no frequency). This variant has not been reported in the literature in individuals affected with FOXN1-related conditions. ClinVar contains an entry for this variant (Variation ID: 1199408). This variant disrupts a region of the FOXN1 protein in which other variant(s) (p.Gln489Argfs*61) have been determined to be pathogenic (PMID: 31566583). This suggests that this is a clinically significant region of the protein, and that variants that disrupt it are likely to be disease-causing. For these reasons, this variant has been classified as Pathogenic.

HudsonAlpha Institute for Biotechnology
Classification: Likely pathogenic for T-cell lymphopenia, infantile, with or without nail dystrophy, autosomal dominant. Last evaluated: 2021-04-19. Review status: criteria provided, single submitter. Criteria: ACMG Guidelines, 2015. Collection method: research. Allele origin: paternal. Affected: yes. Observed: 1 variant allele. Study: CSER-SouthSeq. Not counted in ClinVar's aggregate classification.
Comment: ACMG codes: PVS1; PM2

Revvity Omics, Revvity
Classification: Likely pathogenic. Last evaluated: 2021-03-31. Review status: criteria provided, single submitter. Criteria: ACMG Guidelines, 2015. Collection method: clinical testing. Allele origin: germline. Not counted in ClinVar's aggregate classification.

Literature cited by the submitters: PubMed 37419334 (cited by ClinGen Severe Combined Immunodeficiency Variant Curation Expert Panel, ClinGen); PubMed 31566583 (cited by Labcorp Genetics (formerly Invitae), Labcorp).